The following is an entry in ClinVar:

ClinVar aggregate classification (germline): Uncertain significance (1 of 4 stars; one submission).

Conditions:
Symmetrical dyschromatosis of extremities (DSH). Also called: RETICULATE ACROPIGMENTATION OF DOHI; SYMMETRIC DYSCHROMATOSIS OF THE EXTREMITIES; DYSCHROMATOSIS SYMMETRICA HEREDITARIA 1; Dyschromatosis symmetrica hereditaria. Identifiers: Orphanet 41, MedGen C0406775, MONDO:0007483, OMIM 127400.
Aicardi-Goutieres syndrome 6 (AGS6). Identifiers: Orphanet 51, MedGen C3539013, MONDO:0014007, OMIM 615010.

Allele frequency attached by ClinVar (database versions not stated): TOPMed 0.00001.

Submission:

Labcorp Genetics (formerly Invitae), Labcorp
Classification: Uncertain significance for Aicardi-Goutieres syndrome 6; Symmetrical dyschromatosis of extremities. Last evaluated: 2024-02-24. Review status: criteria provided, single submitter. Criteria: Invitae Variant Classification Sherloc (09022015). Collection method: clinical testing. Allele origin: germline.
Comment: This sequence change replaces aspartic acid, which is acidic and polar, with valine, which is neutral and non-polar, at codon 342 of the ADAR protein (p.Asp342Val). This variant is not present in population databases (gnomAD no frequency). This variant has not been reported in the literature in individuals affected with ADAR-related conditions. ClinVar contains an entry for this variant (Variation ID: 2007194). Advanced modeling of protein sequence and biophysical properties (such as structural, functional, and spatial information, amino acid conservation, physicochemical variation, residue mobility, and thermodynamic stability) performed at Invitae indicates that this missense variant is not expected to disrupt ADAR protein function with a negative predictive value of 80%. In summary, the available evidence is currently insufficient to determine the role of this variant in disease. Therefore, it has been classified as a Variant of Uncertain Significance.

NM_001111.5(ADAR):c.1025A>T (p.Asp342Val)

Gene: ADAR (adenosine deaminase RNA specific; minus strand). Cytogenetic location: 1q21.3.
Variant type: single nucleotide variant.
Coding change: c.1025A>T on transcript NM_001111.5 (MANE Select); coding-DNA position 1025, A replaced by T.
Protein change: p.Asp342Val; replaces aspartic acid 342 with valine.
Molecular consequence: missense variant.
Genome position (GRCh38, 1-based): chr1:154,601,617, T>A on the plus strand (A>T on the coding strand, the complement: ADAR is on the minus strand). VCF-style: chr1-154601617-T-A. GRCh37 (hg19) VCF-style: chr1-154574093-T-A.
Other names: c.140A>T, p.Asp47Val (NM_001025107.3, NM_001193495.2, NM_001365046.1 and 3 more transcripts); c.1052A>T, p.Asp351Val (NM_001365045.1); c.1025A>T, p.Asp342Val (NM_015840.4, NM_015841.4); short protein forms D47V, D342V, D351V.
Identifiers: ClinVar variation 2007194 (VCV002007194.4), dbSNP rs1697882677, ClinGen allele CA342598846.
Genomic context (GRCh38, chr1:154,601,617, plus strand): 5'-CTCTCTCGCTTCTTGTCTGTCAAATGCCATATGGGAGGGGTTGTCCCTTGTCTATAGACA[T>A]CCCCCTGCCTTTCCATGTCAATTAGCACAGCATTTATATCTCGGGCCTTGGTAAGGCCAA-3'
Protein context (NP_001102.3, residues 332-352): AVLIDMERQG[Asp342Val]VYRQGTTPPI